The following is an entry in ClinVar:

NM_015046.7(SETX):c.2384T>A (p.Ile795Lys)

Gene: SETX (senataxin; minus strand). Cytogenetic location: 9q34.13.
Variant type: single nucleotide variant.
Coding change: c.2384T>A on transcript NM_015046.7 (MANE Select); coding-DNA position 2384, T replaced by A.
Protein change: p.Ile795Lys; replaces isoleucine 795 with lysine.
Molecular consequence: missense variant.
Genome position (GRCh38, 1-based): chr9:132,329,214, A>T on the plus strand (T>A on the coding strand, the complement: SETX is on the minus strand). VCF-style: chr9-132329214-A-T. GRCh37 (hg19) VCF-style: chr9-135204601-A-T.
Other names: c.2384T>A, p.Ile795Lys (NM_001351527.2, NM_001351528.2); short protein forms I795K.
Identifiers: ClinVar variation 4682237 (VCV004682237.1).
Genomic context (GRCh38, chr9:132,329,214, plus strand): 5'-AAATTTTCATCTAAATTGATAGTATTATCGACCAAAGTACTCTTCCTGTGTTGCTTCTTT[A>T]TTACATGTGATAACTTTGCACAGATTTCATCTTTCTGTACCTTAGTTTTTCGTTTTGAGG-3'
Protein context (NP_055861.3, residues 785-805): DEICAKLSHV[Ile795Lys]KKQHRKSTLV

ClinVar aggregate classification (germline): Uncertain significance (1 of 4 stars; one submission).

gnomAD v4.1: 17 of 1,613,836 alleles (0.0011%); highest among the groups gnomAD compares: Non-Finnish European, 0.0014%; no homozygotes.

Submission:

Athena Diagnostics
Classification: Uncertain significance. Last evaluated: 2024-12-19. Review status: criteria provided, single submitter. Criteria: Athena Diagnostics Criteria. Collection method: clinical testing. Allele origin: unknown.
Comment: Available data are insufficient to determine the clinical significance of the variant at this time. The frequency of this variant in the general population is uninformative in assessment of its pathogenicity. Polyphen and MutationTaster predict this amino acid change may be benign.